The following is an entry in ClinVar:

NM_020533.3(MCOLN1):c.362C>T (p.Thr121Met)

Gene: MCOLN1 (mucolipin TRP cation channel 1; plus strand). Cytogenetic location: 19p13.2.
Variant type: single nucleotide variant.
Coding change: c.362C>T on transcript NM_020533.3 (MANE Select); coding-DNA position 362, C replaced by T.
Protein change: p.Thr121Met; replaces threonine 121 with methionine.
Molecular consequence: missense variant.
Genome position (GRCh38, 1-based): chr19:7,526,563, C>T. VCF-style: chr19-7526563-C-T. GRCh37 (hg19) VCF-style: chr19-7591449-C-T.
Other names: short protein forms T121M.
Identifiers: ClinVar variation 870565 (VCV000870565.37), dbSNP rs750170007, ClinGen allele CA9138696.

ClinVar aggregate classification (germline): Conflicting classifications of pathogenicity. Review status: criteria provided, conflicting classifications (1 of 4 stars). 7 submissions from 7 submitters: Pathogenic (1); Likely pathogenic (3); Uncertain significance (1). 2 of the submissions do not count toward it. Last evaluated 2026-01-14.

Conditions:
Mucolipidosis type IV (ML4). Also called: ML IV. Identifiers: Orphanet 578, MedGen C0238286, MONDO:0009653, OMIM 252650.
Retinal dystrophy. Also called: Inherited retinal dystrophy. Identifiers: Orphanet 71862, MedGen C0854723, MeSH D058499, MONDO:0019118, HP:0000556.

Allele frequency attached by ClinVar (database versions not stated): ExAC 0.00002; gnomAD 0.00002; gnomAD exomes 0.00002; TOPMed 0.00002.
gnomAD v4.1: 13 of 1,613,846 alleles (0.00081%); highest among the groups gnomAD compares: African/African-American, 0.0027%; no homozygotes.

Submissions (7):

Natera, Inc.
Classification: Likely pathogenic for Mucolipidosis type IV. Last evaluated: 2026-01-14. Review status: criteria provided, single submitter. Criteria: Natera Variant Classification Schema (03/2026). Collection method: clinical testing. Allele origin: germline.
Comment: The c.362C>T variant in MCOLN1 is a missense variant predicted to cause substitution of threonine to methionine at amino acid 121. This variant is rare in the general population with a frequency below the threshold expected for the associated phenotype(s). This variant has been observed in one or more individuals affected with the associated recessive disease, as either homozygous or compound heterozygous with a second variant (PMID: 37597066, 36139381, 32036093, 38532569). This variant has been identified in one or more affected individual with a phenotype highly consistent with the associated gene (PMID: 38532569). Computational prediction algorithms indicate this variant is likely to affect gene or protein function. Given the available evidence, this variant is classified as Likely Pathogenic.

Labcorp Genetics (formerly Invitae), Labcorp
Classification: Pathogenic for Mucolipidosis type IV. Last evaluated: 2025-12-22. Review status: criteria provided, single submitter. Criteria: Invitae Variant Classification Sherloc (09022015). Collection method: clinical testing. Allele origin: germline.
Comment: This sequence change replaces threonine, which is neutral and polar, with methionine, which is neutral and non-polar, at codon 121 of the MCOLN1 protein (p.Thr121Met). This variant is present in population databases (rs750170007, gnomAD 0.007%). This missense change has been observed in individual(s) with clinical features of autosomal recessive mucolipidosis IV (PMID: 38532569). It has also been observed to segregate with disease in related individuals. ClinVar contains an entry for this variant (Variation ID: 870565). Invitae Evidence Modeling of protein sequence and biophysical properties (such as structural, functional, and spatial information, amino acid conservation, physicochemical variation, residue mobility, and thermodynamic stability) has been performed for this missense variant. However, the output from this modeling did not meet the statistical confidence thresholds required to predict the impact of this variant on MCOLN1 protein function. For these reasons, this variant has been classified as Pathogenic.

Myriad Genetics, Inc.
Classification: Likely pathogenic for Mucolipidosis type IV. Last evaluated: 2025-02-03. Review status: criteria provided, single submitter. Criteria: Myriad Autosomal Dominant, Autosomal Recessive and X-Linked Classification Criteria (2023). Collection method: clinical testing. Allele origin: unknown.
Comment: NM_020533.2(MCOLN1):c.362C>T(T121M) is a missense variant classified as likely pathogenic in the context of mucolipidosis IV. T121M has been observed in cases with relevant disease (PMID: 38532569, 36139381, 32036093). Relevant functional assessments of this variant are available in the literature (PMID: Boeck_2021_(dissertation)). T121M has been observed in referenced population frequency databases. In summary, NM_020533.2(MCOLN1):c.362C>T(T121M) is a missense variant that has functional support for pathogenicity and has been observed more frequently in cases with the relevant disease than in healthy populations. Please note: this variant was assessed in the context of healthy population screening.

Women's Health and Genetics/Laboratory Corporation of America, LabCorp
Classification: Likely pathogenic for Mucolipidosis type IV. Last evaluated: 2024-08-26. Review status: criteria provided, single submitter. Criteria: LabCorp Variant Classification Summary - May 2015. Collection method: clinical testing. Allele origin: germline.
Comment: Variant summary: MCOLN1 c.362C>T (p.Thr121Met) results in a non-conservative amino acid change located in the Mucolipin-1, extracytosolic/lumenal domain (Mucolipin-1, extracytosolic/lumenal domain) of the encoded protein sequence. Four of five in-silico tools predict a damaging effect of the variant on protein function. The variant allele was found at a frequency of 1.6e-05 in 251290 control chromosomes. c.362C>T has been reported in the literature in the homozygous or presumed compound heterozygous state in multiple individuals affected with clinical features of Mucolipidosis Type 4 (example, Ghasemi_2024, Prat_2022, Zanetti_2020). These data indicate that the variant is likely to be associated with disease. At least one publication reports experimental evidence evaluating an impact on protein function. Using patient fibroblasts, authors found that MCOLN1 protein was mislocalized to the cytoplasm and was severely deficient in its response to MCOLN1 channel agonists (example, Prat_2022). The following publications have been ascertained in the context of this evaluation (PMID: 38532569, 36139381, 32036093). ClinVar contains an entry for this variant (Variation ID: 870565). Based on the evidence outlined above, the variant was classified as likely pathogenic.

CeGaT Center for Human Genetics Tuebingen
Classification: Uncertain significance. Last evaluated: 2022-08-01. Review status: criteria provided, single submitter. Criteria: CeGaT Center For Human Genetics Tuebingen Variant Classification Criteria Version 2. Collection method: clinical testing. Allele origin: germline. Affected: yes. Observed: 2 variant alleles.
Comment: MCOLN1: PM2, PP4:Moderate, PM3:Supporting

Institute of Human Genetics, Univ. Regensburg, Univ. Regensburg
Classification: Uncertain significance for Retinal dystrophy. Last evaluated: 2023-01-01. Review status: flagged submission. Criteria: ACMG Guidelines, 2015. Collection method: clinical testing. Allele origin: germline. Affected: yes. Not counted in ClinVar's aggregate classification.
ClinVar note: Reason: Claim with insufficient supporting evidence

Myelin Disorders Clinic-Children's Medical Center/Medical Genetics Lab-Tarbiat Modares University, Children's Medical Center, Pediatrics Center of Excellence,
Classification: Uncertain significance for Mucolipidosis type IV. Review status: flagged submission. Collection method: clinical testing. Allele origin: inherited. Inheritance: Autosomal recessive inheritance. Affected: yes. Not counted in ClinVar's aggregate classification.
ClinVar note: Reason: Claim with insufficient supporting evidence

Literature cited by the submitters: PubMed 37597066 (cited by Natera, Inc.); PubMed 36139381 (cited by 3 submitters); PubMed 32036093 (cited by 3 submitters); PubMed 38532569 (cited by 4 submitters).